The following is an entry in ClinVar:

NM_001378452.1(ITPR1):c.4121G>A (p.Arg1374Gln)

Gene: ITPR1 (inositol 1,4,5-trisphosphate receptor type 1; plus strand). Cytogenetic location: 3p26.1.
Variant type: single nucleotide variant.
Coding change: c.4121G>A on transcript NM_001378452.1 (MANE Select); coding-DNA position 4121, G replaced by A.
Protein change: p.Arg1374Gln; replaces arginine 1374 with glutamine.
Molecular consequence: missense variant.
Genome position (GRCh38, 1-based): chr3:4,693,581, G>A. VCF-style: chr3-4693581-G-A. GRCh37 (hg19) VCF-style: chr3-4735265-G-A.
Other names: c.4094G>A, p.Arg1365Gln (NM_001099952.4); c.4076G>A, p.Arg1359Gln (NM_001168272.2); c.4049G>A, p.Arg1350Gln (NM_002222.7); short protein forms R1365Q, R1374Q, R1350Q, R1359Q.
Identifiers: ClinVar variation 2721603 (VCV002721603.8), dbSNP rs753284214, ClinGen allele CA2231897.

ClinVar aggregate classification (germline): Uncertain significance. Review status: criteria provided, multiple submitters, no conflicts (2 of 4 stars). 2 submissions from 2 submitters: Uncertain significance (2). Last evaluated 2025-12-01.

Allele frequency attached by ClinVar (database versions not stated): ExAC 0.00001; gnomAD 0.00001; gnomAD exomes 0.00001; TOPMed 0.00002.
gnomAD v4.1: 12 of 1,613,886 alleles (0.00074%); highest among the groups gnomAD compares: Non-Finnish European, 0.00093%; no homozygotes.

Submissions (2):

CeGaT Center for Human Genetics Tuebingen
Classification: Uncertain significance. Last evaluated: 2025-12-01. Review status: criteria provided, single submitter. Criteria: CeGaT Center For Human Genetics Tuebingen Variant Classification Criteria Version 2. Collection method: clinical testing. Allele origin: germline. Affected: yes. Observed: 1 variant allele.

Labcorp Genetics (formerly Invitae), Labcorp
Classification: Uncertain significance. Last evaluated: 2023-11-24. Review status: criteria provided, single submitter. Criteria: Invitae Variant Classification Sherloc (09022015). Collection method: clinical testing. Allele origin: germline.
Comment: This sequence change replaces arginine, which is basic and polar, with glutamine, which is neutral and polar, at codon 1350 of the ITPR1 protein (p.Arg1350Gln). This variant is present in population databases (rs753284214, gnomAD 0.006%). This variant has not been reported in the literature in individuals affected with ITPR1-related conditions. Advanced modeling of protein sequence and biophysical properties (such as structural, functional, and spatial information, amino acid conservation, physicochemical variation, residue mobility, and thermodynamic stability) performed at Invitae indicates that this missense variant is not expected to disrupt ITPR1 protein function with a negative predictive value of 95%. In summary, the available evidence is currently insufficient to determine the role of this variant in disease. Therefore, it has been classified as a Variant of Uncertain Significance.